The following is an entry in ClinVar:

ClinVar aggregate classification (germline): Uncertain significance. Review status: criteria provided, multiple submitters, no conflicts (2 of 4 stars). 2 submissions from 2 submitters: Uncertain significance (2). Last evaluated 2025-04-17.

Conditions:
Charcot-Marie-Tooth disease axonal type 2U. Also called: CHARCOT-MARIE-TOOTH NEUROPATHY, TYPE 2U; CHARCOT-MARIE-TOOTH DISEASE, AXONAL, AUTOSOMAL DOMINANT, TYPE 2U. Identifiers: Orphanet 397735, MedGen C4084821, MONDO:0014566, OMIM 616280.
Severe early-onset pulmonary alveolar proteinosis due to MARS deficiency. Also called: PULMONARY ALVEOLAR PROTEINOSIS, REUNION ISLAND; Interstitial lung and liver disease. Identifiers: Orphanet 440427, MedGen C4225400, MONDO:0014206, OMIM 615486.

Allele frequency attached by ClinVar (database versions not stated): TOPMed below 0.00001; gnomAD 0.00001; gnomAD exomes 0.00001.
gnomAD v4.1: 19 of 1,613,876 alleles (0.0012%); highest among the groups gnomAD compares: Non-Finnish European, 0.0015%; no homozygotes.

Submissions (2):

Labcorp Genetics (formerly Invitae), Labcorp
Classification: Uncertain significance for Charcot-Marie-Tooth disease axonal type 2U; Severe early-onset pulmonary alveolar proteinosis due to MARS deficiency. Last evaluated: 2025-04-17. Review status: criteria provided, single submitter. Criteria: Invitae Variant Classification Sherloc (09022015). Collection method: clinical testing. Allele origin: germline.
Comment: This sequence change replaces leucine, which is neutral and non-polar, with phenylalanine, which is neutral and non-polar, at codon 696 of the MARS protein (p.Leu696Phe). This variant is not present in population databases (gnomAD no frequency). This variant has not been reported in the literature in individuals affected with MARS-related conditions. ClinVar contains an entry for this variant (Variation ID: 1681769). An algorithm developed to predict the effect of missense changes on protein structure and function (PolyPhen-2) suggests that this variant is likely to be disruptive. In summary, the available evidence is currently insufficient to determine the role of this variant in disease. Therefore, it has been classified as a Variant of Uncertain Significance.

Ambry Genetics
Classification: Uncertain significance. Last evaluated: 2024-06-10. Review status: criteria provided, single submitter. Criteria: Ambry Variant Classification Scheme 2023. Collection method: clinical testing. Allele origin: germline.

NM_004990.4(MARS1):c.2086C>T (p.Leu696Phe)

Gene: MARS1 (methionyl-tRNA synthetase 1; plus strand). Cytogenetic location: 12q13.3.
Variant type: single nucleotide variant.
Coding change: c.2086C>T on transcript NM_004990.4 (MANE Select); coding-DNA position 2086, C replaced by T.
Protein change: p.Leu696Phe; replaces leucine 696 with phenylalanine.
Molecular consequence: missense variant.
Genome position (GRCh38, 1-based): chr12:57,514,838, C>T. VCF-style: chr12-57514838-C-T. GRCh37 (hg19) VCF-style: chr12-57908621-C-T.
Other names: short protein forms L696F.
Identifiers: ClinVar variation 1681769 (VCV001681769.11), dbSNP rs1877703051, ClinGen allele CA385464887.